The following is an entry in ClinVar:

NM_018255.4(ELP2):c.1472G>C (p.Ser491Thr)

Gene: ELP2 (elongator acetyltransferase complex subunit 2; plus strand). Cytogenetic location: 18q12.2.
Variant type: single nucleotide variant.
Coding change: c.1472G>C on transcript NM_018255.4 (MANE Select); coding-DNA position 1472, G replaced by C.
Protein change: p.Ser491Thr; replaces serine 491 with threonine.
Molecular consequence: missense variant. On other transcripts: non-coding transcript variant (4).
Genome position (GRCh38, 1-based): chr18:36,158,842, G>C. VCF-style: chr18-36158842-G-C. GRCh37 (hg19) VCF-style: chr18-33738805-G-C.
Other names: c.1667G>C, p.Ser556Thr (NM_001242875.3); c.1457G>C, p.Ser486Thr (NM_001242876.3); c.1394G>C, p.Ser465Thr (NM_001242877.3); c.1262G>C, p.Ser421Thr (NM_001242878.3, NM_001242879.3); c.1340G>C, p.Ser447Thr (NM_001324465.2); c.1589G>C, p.Ser530Thr (NM_001324466.2); c.1322G>C, p.Ser441Thr (NM_001324467.2); c.1025G>C, p.Ser342Thr (NM_001324468.2); short protein forms S421T, S465T, S491T, S530T, S342T, S486T, S447T, S556T.
Identifiers: ClinVar variation 791459 (VCV000791459.28), dbSNP rs117536068, ClinGen allele CA8939978.

ClinVar aggregate classification (germline): Benign/Likely benign. Review status: criteria provided, multiple submitters, no conflicts (2 of 4 stars). 4 submissions from 4 submitters: Benign (2); Likely benign (1). 1 of the submissions does not count toward it. Last evaluated 2026-09-01.

Conditions:
ELP2-related disorder. Also called: ELP2-Related Disorders; ELP2-related condition.

Allele frequency attached by ClinVar (database versions not stated): ExAC 0.00272; 1000 Genomes Project 0.00100; 1000 Genomes Project 30x 0.00125; TOPMed 0.00163; gnomAD 0.00171 and 0.00175; ESP Exome Variant Server 0.00231; gnomAD exomes 0.00231.
gnomAD v4.1: 4,585 of 1,594,516 alleles (0.29%); highest among the groups gnomAD compares: Non-Finnish European, 0.36%; 15 homozygotes.

Submissions (4):

CeGaT Center for Human Genetics Tuebingen
Classification: Likely benign. Last evaluated: 2026-09-01. Review status: criteria provided, single submitter. Criteria: CeGaT Center For Human Genetics Tuebingen Variant Classification Criteria Version 2. Collection method: clinical testing. Allele origin: germline. Affected: yes. Observed: 7 variant alleles.
Comment: ELP2: BP4, BS2

Labcorp Genetics (formerly Invitae), Labcorp
Classification: Benign. Last evaluated: 2019-12-31. Review status: criteria provided, single submitter. Criteria: Invitae Variant Classification Sherloc (09022015). Collection method: clinical testing. Allele origin: germline.

Breakthrough Genomics
Classification: Benign. Review status: criteria provided, single submitter. Criteria: ACMG Guidelines, 2015. Collection method: not provided. Allele origin: germline. Inheritance: Autosomal recessive inheritance. Affected: yes.

PreventionGenetics, part of Exact Sciences
Classification: Likely benign for ELP2-related condition. Last evaluated: 2022-01-31. Review status: no assertion criteria provided. Collection method: clinical testing. Allele origin: germline. Not counted in ClinVar's aggregate classification.
Comment: This variant is classified as likely benign based on ACMG/AMP sequence variant interpretation guidelines (Richards et al. 2015 PMID: 25741868, with internal and published modifications).